The following is an entry in ClinVar:

ClinVar aggregate classification (germline): Uncertain significance (1 of 4 stars; one submission).

Conditions:
Charcot-Marie-Tooth disease type 4. Also called: Charcot-Marie-Tooth disease, type IV; Charcot-Marie-Tooth, Type 4. Identifiers: Orphanet 64749, MedGen C4082197, MONDO:0018995.

Allele frequency attached by ClinVar (database versions not stated): gnomAD exomes below 0.00001; gnomAD 0.00001.
gnomAD v4.1: 2 of 1,613,434 alleles (0.00012%); highest among the groups gnomAD compares: African/African-American, 0.0013%; no homozygotes.

Submission:

Labcorp Genetics (formerly Invitae), Labcorp
Classification: Uncertain significance for Charcot-Marie-Tooth disease type 4. Last evaluated: 2022-12-06. Review status: criteria provided, single submitter. Criteria: Invitae Variant Classification Sherloc (09022015). Collection method: clinical testing. Allele origin: germline.
Comment: This sequence change replaces proline, which is neutral and non-polar, with serine, which is neutral and polar, at codon 1195 of the PRX protein (p.Pro1195Ser). This variant is not present in population databases (gnomAD no frequency). This variant has not been reported in the literature in individuals affected with PRX-related conditions. ClinVar contains an entry for this variant (Variation ID: 476965). Advanced modeling of protein sequence and biophysical properties (such as structural, functional, and spatial information, amino acid conservation, physicochemical variation, residue mobility, and thermodynamic stability) performed at Invitae indicates that this missense variant is not expected to disrupt PRX protein function. In summary, the available evidence is currently insufficient to determine the role of this variant in disease. Therefore, it has been classified as a Variant of Uncertain Significance.

NM_181882.3(PRX):c.3583C>T (p.Pro1195Ser)

Gene: PRX (periaxin; minus strand). Cytogenetic location: 19q13.2.
Variant type: single nucleotide variant.
Coding change: c.3583C>T on transcript NM_181882.3 (MANE Select); coding-DNA position 3583, C replaced by T.
Protein change: p.Pro1195Ser; replaces proline 1195 with serine.
Molecular consequence: missense variant. On other transcripts: 3 prime UTR variant (1).
Genome position (GRCh38, 1-based): chr19:40,394,769, G>A on the plus strand (C>T on the coding strand, the complement: PRX is on the minus strand). VCF-style: chr19-40394769-G-A. GRCh37 (hg19) VCF-style: chr19-40900676-G-A.
Other names: c.*3788C>T (NM_020956.2); short protein forms P1195S.
Identifiers: ClinVar variation 476965 (VCV000476965.8), dbSNP rs1555800544, ClinGen allele CA405893094.